The following is an entry in ClinVar:

NM_014140.4(SMARCAL1):c.1967C>G (p.Ala656Gly)

Gene: SMARCAL1 (SNF2 related chromatin remodeling annealing helicase 1; plus strand). Cytogenetic location: 2q35.
Variant type: single nucleotide variant.
Coding change: c.1967C>G on transcript NM_014140.4 (MANE Select); coding-DNA position 1967, C replaced by G.
Protein change: p.Ala656Gly; replaces alanine 656 with glycine.
Molecular consequence: missense variant.
Genome position (GRCh38, 1-based): chr2:216,450,961, C>G. VCF-style: chr2-216450961-C-G. GRCh37 (hg19) VCF-style: chr2-217315684-C-G.
Other names: c.1967C>G, p.Ala656Gly (NM_001127207.2); short protein forms A656G.
Identifiers: ClinVar variation 2151660 (VCV002151660.2), dbSNP rs1234057744, ClinGen allele CA350502131.

ClinVar aggregate classification (germline): Uncertain significance (1 of 4 stars; one submission).

Conditions:
Schimke immuno-osseous dysplasia (SIOD). Also called: Schimke Immunoosseous Dysplasia. Identifiers: Orphanet 1830, MedGen C0877024, MONDO:0009458, OMIM 242900.

Allele frequency attached by ClinVar (database versions not stated): TOPMed 0.00001; gnomAD exomes 0.00002.
gnomAD v4.1: 10 of 1,614,170 alleles (0.00062%); highest among the groups gnomAD compares: Admixed American, 0.015%; no homozygotes.

Submission:

Labcorp Genetics (formerly Invitae), Labcorp
Classification: Uncertain significance for Schimke immuno-osseous dysplasia. Last evaluated: 2025-11-10. Review status: criteria provided, single submitter. Criteria: Invitae Variant Classification Sherloc (09022015). Collection method: clinical testing. Allele origin: germline.
Comment: This sequence change replaces alanine, which is neutral and non-polar, with glycine, which is neutral and non-polar, at codon 656 of the SMARCAL1 protein (p.Ala656Gly). This variant is present in population databases (no rsID available, gnomAD 0.01%). This variant has not been reported in the literature in individuals affected with SMARCAL1-related conditions. ClinVar contains an entry for this variant (Variation ID: 2151660). Invitae Evidence Modeling of protein sequence and biophysical properties (such as structural, functional, and spatial information, amino acid conservation, physicochemical variation, residue mobility, and thermodynamic stability) indicates that this missense variant is not expected to disrupt SMARCAL1 protein function with a negative predictive value of 80%. In summary, the available evidence is currently insufficient to determine the role of this variant in disease. Therefore, it has been classified as a Variant of Uncertain Significance.